The following is an entry in ClinVar:

NM_001378969.1(KCND3):c.612G>C (p.Thr204=)

Gene: KCND3 (potassium voltage-gated channel subfamily D member 3; minus strand). Cytogenetic location: 1p13.2.
Variant type: single nucleotide variant.
Coding change: c.612G>C on transcript NM_001378969.1 (MANE Select); coding-DNA position 612, G replaced by C.
Protein change: p.Thr204=; no amino-acid change (threonine 204 retained).
Molecular consequence: synonymous variant.
Genome position (GRCh38, 1-based): chr1:111,982,115, C>G on the plus strand (G>C on the coding strand, the complement: KCND3 is on the minus strand). VCF-style: chr1-111982115-C-G. GRCh37 (hg19) VCF-style: chr1-112524737-C-G.
Other names: c.612G>C, p.Thr204= (NM_001378970.1, NM_004980.5, NM_172198.3).
Identifiers: ClinVar variation 1751787 (VCV001751787.3), dbSNP rs1035650248, ClinGen allele CA29326294.

ClinVar aggregate classification (germline): Likely benign. Review status: criteria provided, single submitter (1 of 4 stars). 2 submissions from 2 submitters: Likely benign (1). 1 of the submissions does not count toward it. Last evaluated 2022-06-06.

Conditions:
Cardiovascular phenotype. Identifiers: MedGen CN230736.
KCND3-related disorder. Also called: KCND3-related condition.

Allele frequency attached by ClinVar (database versions not stated): TOPMed below 0.00001.

Submissions (2):

Ambry Genetics
Classification: Likely benign for Cardiovascular phenotype. Last evaluated: 2022-06-06. Review status: criteria provided, single submitter. Criteria: Ambry Variant Classification Scheme 2023. Collection method: clinical testing. Allele origin: germline.

PreventionGenetics, part of Exact Sciences
Classification: Likely benign for KCND3-related condition. Last evaluated: 2024-03-27. Review status: no assertion criteria provided. Collection method: clinical testing. Allele origin: germline. Not counted in ClinVar's aggregate classification.
Comment: This variant is classified as likely benign based on ACMG/AMP sequence variant interpretation guidelines (Richards et al. 2015 PMID: 25741868, with internal and published modifications).